The following is an entry in ClinVar:

NM_004168.4(SDHA):c.681G>T (p.Glu227Asp)

Gene: SDHA (succinate dehydrogenase complex flavoprotein subunit A; plus strand). Cytogenetic location: 5p15.33.
Variant type: single nucleotide variant.
Coding change: c.681G>T on transcript NM_004168.4 (MANE Select); coding-DNA position 681, G replaced by T.
Protein change: p.Glu227Asp; replaces glutamic acid 227 with aspartic acid.
Molecular consequence: missense variant.
Genome position (GRCh38, 1-based): chr5:228,244, G>T. VCF-style: chr5-228244-G-T. GRCh37 (hg19) VCF-style: chr5-228359-G-T.
Other names: c.537G>T, p.Glu179Asp (NM_001294332.2); c.681G>T, p.Glu227Asp (NM_001330758.2); short protein forms E179D, E227D.
Identifiers: ClinVar variation 2948580 (VCV002948580.3), dbSNP rs2126558548, ClinGen allele CA359010925.

ClinVar aggregate classification (germline): Uncertain significance (1 of 4 stars; one submission).

Conditions:
Mitochondrial complex II deficiency, nuclear type 1. Also called: SUCCINATE CoQ REDUCTASE DEFICIENCY. Identifiers: Orphanet 3208, MedGen C5700310, MONDO:0100294, OMIM 252011.
Pheochromocytoma/paraganglioma syndrome 5. Also called: Paragangliomas 5; SDHA-Related Hereditary Paraganglioma-Pheochromocytoma Syndrome. Identifiers: Orphanet 29072, MedGen C3279992, MONDO:0013602, OMIM 614165.

Submission:

Labcorp Genetics (formerly Invitae), Labcorp
Classification: Uncertain significance for Pheochromocytoma/paraganglioma syndrome 5; Mitochondrial complex II deficiency, nuclear type 1. Last evaluated: 2023-06-05. Review status: criteria provided, single submitter. Criteria: Invitae Variant Classification Sherloc (09022015). Collection method: clinical testing. Allele origin: germline.
Comment: In summary, the available evidence is currently insufficient to determine the role of this variant in disease. Therefore, it has been classified as a Variant of Uncertain Significance. Advanced modeling of protein sequence and biophysical properties (such as structural, functional, and spatial information, amino acid conservation, physicochemical variation, residue mobility, and thermodynamic stability) performed at Invitae indicates that this missense variant is not expected to disrupt SDHA protein function. This variant has not been reported in the literature in individuals affected with SDHA-related conditions. This variant is not present in population databases (gnomAD no frequency). This sequence change replaces glutamic acid, which is acidic and polar, with aspartic acid, which is acidic and polar, at codon 227 of the SDHA protein (p.Glu227Asp).